The following is an entry in ClinVar:

ClinVar aggregate classification (germline): Uncertain significance (1 of 4 stars; one submission).

Conditions:
Hereditary breast ovarian cancer syndrome. Also called: Hereditary breast and ovarian cancer syndrome; Hereditary breast and ovarian cancer syndrome (HBOC); BRCA1- and BRCA2-Associated Hereditary Breast and Ovarian Cancer; Hereditary breast and ovarian cancer; Breast and ovarian cancer; Hereditary breast and/or ovarian cancer syndrome. Identifiers: Orphanet 145, MedGen C0677776, MeSH D061325, MONDO:0003582. Disease mechanism: loss of function.

Submission:

Labcorp Genetics (formerly Invitae), Labcorp
Classification: Uncertain significance for Hereditary breast ovarian cancer syndrome. Last evaluated: 2024-08-20. Review status: criteria provided, single submitter. Criteria: Invitae Variant Classification Sherloc (09022015). Collection method: clinical testing. Allele origin: germline.
Comment: This sequence change replaces glutamine, which is neutral and polar, with histidine, which is basic and polar, at codon 491 of the BRCA1 protein (p.Gln491His). This variant is not present in population databases (gnomAD no frequency). This variant has not been reported in the literature in individuals affected with BRCA1-related conditions. Invitae Evidence Modeling of protein sequence and biophysical properties (such as structural, functional, and spatial information, amino acid conservation, physicochemical variation, residue mobility, and thermodynamic stability) indicates that this missense variant is not expected to disrupt BRCA1 protein function with a negative predictive value of 95%. In summary, the available evidence is currently insufficient to determine the role of this variant in disease. Therefore, it has been classified as a Variant of Uncertain Significance.

NM_007294.4(BRCA1):c.1473G>C (p.Gln491His)

Gene: BRCA1 (BRCA1 DNA repair associated; minus strand). Cytogenetic location: 17q21.31.
Variant type: single nucleotide variant.
Coding change: c.1473G>C on transcript NM_007294.4 (MANE Select); coding-DNA position 1473, G replaced by C.
Protein change: p.Gln491His; replaces glutamine 491 with histidine.
Molecular consequence: missense variant. On other transcripts: intron variant (137).
Genome position (GRCh38, 1-based): chr17:43,094,058, C>G on the plus strand (G>C on the coding strand, the complement: BRCA1 is on the minus strand). VCF-style: chr17-43094058-C-G. GRCh37 (hg19) VCF-style: chr17-41246075-C-G.
Other names: c.1260G>C, p.Gln420His (NM_001407898.1, NM_001407899.1, NM_001407915.1 and 9 more transcripts); c.1263G>C, p.Gln421His (NM_001407900.1, NM_001407902.1, NM_001407904.1 and 13 more transcripts); c.1350G>C, p.Gln450His (NM_001407919.1, NM_001407648.1, NM_001407664.1 and 19 more transcripts); c.1473G>C, p.Gln491His (NM_001407581.1, NM_001407582.1, NM_001407583.1 and 30 more transcripts); c.1470G>C, p.Gln490His (NM_001407587.1, NM_001407590.1, NM_001407591.1 and 22 more transcripts); c.1464G>C, p.Gln488His (NM_001407646.1, NM_001407647.1); c.1347G>C, p.Gln449His (NM_001407649.1, NM_001407670.1, NM_001407671.1 and 11 more transcripts); c.1395G>C, p.Gln465His (NM_001407653.1, NM_001407654.1, NM_001407655.1 and 4 more transcripts); and 40 more; short protein forms Q195H, Q379H, Q380H, Q449H, Q491H, Q323H, Q402H, Q421H.
Identifiers: ClinVar variation 3634690 (VCV003634690.2).